The following is an entry in ClinVar:

ClinVar aggregate classification (germline): Uncertain significance (1 of 4 stars; one submission).

Conditions:
KNL1-related disorder. Also called: KNL1-related condition.

Allele frequency attached by ClinVar (database versions not stated): TOPMed 0.00001; gnomAD 0.00002.
gnomAD v4.1: 12 of 1,585,304 alleles (0.00076%); highest among the groups gnomAD compares: East Asian, 0.0045%; no homozygotes.

Submission:

PreventionGenetics, part of Exact Sciences
Classification: Uncertain significance for KNL1-related condition. Last evaluated: 2025-02-06. Review status: criteria provided, single submitter. Criteria: ACMG Guidelines, 2015. Collection method: clinical testing. Allele origin: germline.
Comment: The KNL1 c.476G>A variant is predicted to result in the amino acid substitution p.Arg159His. To our knowledge, this variant has not been reported in the literature. This variant is reported in 0.0065% of alleles in individuals of European (Non-Finnish) descent in gnomAD. At this time, the clinical significance of this variant is uncertain due to the absence of conclusive functional and genetic evidence.

NM_144508.5(KNL1):c.398G>A (p.Arg133His)

Gene: KNL1 (kinetochore scaffold 1; plus strand). Cytogenetic location: 15q15.1.
Variant type: single nucleotide variant.
Coding change: c.398G>A on transcript NM_144508.5 (MANE Select); coding-DNA position 398, G replaced by A.
Protein change: p.Arg133His; replaces arginine 133 with histidine.
Molecular consequence: missense variant.
Genome position (GRCh38, 1-based): chr15:40,620,662, G>A. VCF-style: chr15-40620662-G-A. GRCh37 (hg19) VCF-style: chr15-40912860-G-A.
Other names: c.476G>A, p.Arg159His (NM_170589.5); short protein forms R133H, R159H.
Identifiers: ClinVar variation 2628543 (VCV002628543.2), dbSNP rs755472529, ClinGen allele CA268822077.
Genomic context (GRCh38, chr15:40,620,662, plus strand): 5'-CTTTTGTTCTGATCTCTTATATTTTGCTTTCATTATAGTTTTCAATTATAGAACATACCC[G>A]TGAAAGGAAACATGCAAATGACCAGACAGTCATTTTTTCAGATGAAAACCAGATGGACCT-3'
Protein context (NP_653091.3, residues 123-143): QKEFSIIEHT[Arg133His]ERKHANDQTV